The following is an entry in ClinVar:

NM_001370298.3(FGD4):c.949G>A (p.Glu317Lys)

Gene: FGD4 (FYVE, RhoGEF and PH domain containing 4; plus strand). Cytogenetic location: 12p11.21.
Variant type: single nucleotide variant.
Coding change: c.949G>A on transcript NM_001370298.3 (MANE Select); coding-DNA position 949, G replaced by A.
Protein change: p.Glu317Lys; replaces glutamic acid 317 with lysine.
Molecular consequence: missense variant. On other transcripts: 5 prime UTR variant (2), non-coding transcript variant (1), intron variant (1).
Genome position (GRCh38, 1-based): chr12:32,582,405, G>A. VCF-style: chr12-32582405-G-A. GRCh37 (hg19) VCF-style: chr12-32735339-G-A.
Other names: c.793G>A, p.Glu265Lys (NM_001304481.2); c.-307G>A (NM_001304483.2); c.-614G>A (NM_001304484.2); c.259G>A, p.Glu87Lys (NM_001330373.2, NM_001330374.2, NM_001384130.1); c.949G>A, p.Glu317Lys (NM_001384126.1); c.538G>A, p.Glu180Lys (NM_001384127.1, NM_001384128.1, NM_001384131.1 and 3 more transcripts); c.49-16092G>A (NM_001370297.1); short protein forms E180K, E265K, E317K, E87K.
Identifiers: ClinVar variation 1052807 (VCV001052807.8), dbSNP rs148406003, ClinGen allele CA6506652.

ClinVar aggregate classification (germline): Uncertain significance. Review status: criteria provided, multiple submitters, no conflicts (2 of 4 stars). 2 submissions from 2 submitters: Uncertain significance (2). Last evaluated 2022-05-27.

Conditions:
Charcot-Marie-Tooth disease type 4. Also called: Charcot-Marie-Tooth, Type 4; Charcot-Marie-Tooth disease, type IV. Identifiers: Orphanet 64749, MedGen C4082197, MONDO:0018995.

Allele frequency attached by ClinVar (database versions not stated): gnomAD exomes 0.00001; ExAC 0.00002; ESP Exome Variant Server 0.00008.

Submissions (2):

GeneDx
Classification: Uncertain significance. Last evaluated: 2022-05-27. Review status: criteria provided, single submitter. Criteria: GeneDx Variant Classification Process June 2021. Collection method: clinical testing. Allele origin: germline. Affected: yes.
Comment: Not observed at significant frequency in large population cohorts (gnomAD); In silico analysis supports that this missense variant has a deleterious effect on protein structure/function; Has not been previously published as pathogenic or benign to our knowledge

Labcorp Genetics (formerly Invitae), Labcorp
Classification: Uncertain significance for Charcot-Marie-Tooth disease type 4. Last evaluated: 2020-06-26. Review status: criteria provided, single submitter. Criteria: Invitae Variant Classification Sherloc (09022015). Collection method: clinical testing. Allele origin: germline.
Comment: In summary, the available evidence is currently insufficient to determine the role of this variant in disease. Therefore, it has been classified as a Variant of Uncertain Significance. Algorithms developed to predict the effect of missense changes on protein structure and function are either unavailable or do not agree on the potential impact of this missense change (SIFT: "Deleterious"; PolyPhen-2: "Benign"; Align-GVGD: "Class C55"). This variant has not been reported in the literature in individuals with FGD4-related conditions. This variant is present in population databases (rs148406003, ExAC 0.003%). This sequence change replaces glutamic acid with lysine at codon 180 of the FGD4 protein (p.Glu180Lys). The glutamic acid residue is highly conserved and there is a small physicochemical difference between glutamic acid and lysine.